The following is an entry in ClinVar:

ClinVar aggregate classification (germline): Uncertain significance. Review status: criteria provided, single submitter (1 of 4 stars). 2 submissions from 2 submitters: Uncertain significance (1). 1 of the submissions does not count toward it. Last evaluated 2022-02-02.

Conditions:
Alzheimer disease 3 (AD3). Also called: ALZHEIMER DISEASE, FAMILIAL, 3. Identifiers: Orphanet 1020, MedGen C1843013, MONDO:0011913, OMIM 607822.

Allele frequency attached by ClinVar (database versions not stated): gnomAD exomes below 0.00001; gnomAD 0.00001.
gnomAD v4.1: 5 of 1,613,676 alleles (0.00031%); highest among the groups gnomAD compares: African/African-American, 0.0013%; no homozygotes.

Submissions (2):

Victorian Clinical Genetics Services, Murdoch Childrens Research Institute
Classification: Uncertain significance for Alzheimer disease 3. Last evaluated: 2022-02-02. Review status: criteria provided, single submitter. Criteria: ACMG Guidelines, 2015. Collection method: clinical testing. Allele origin: germline. Inheritance: Autosomal dominant inheritance.
Comment: Based on the classification scheme VCGS_Germline_v1.3.4, this variant is classified as VUS-3A. Following criteria are met: 0104 - Dominant negative is a known mechanism of disease in this gene and is associated with autosomal dominant Alzheimer's disease (PMID: 28082723). (I) 0107 - This gene is associated with autosomal dominant disease. (I) 0200 - Variant is predicted to result in a missense amino acid change from isoleucine to valine. (I) 0251 - This variant is heterozygous. (I) 0302 - Variant is present in gnomAD (v2 and v3) <0.001 for a dominant condition (2 heterozygotes, 0 homozygotes). (SP) 0502 - Missense variant with conflicting in silico predictions and uninformative conservation. (I) 0600 - Variant is located in the annotated transmembrane 9 domain (PMID: 32087291). (I) 0704 - Another missense variant comparable to the one identified in this case has limited previous evidence for pathogenicity. An alternative change to a serine have been reported in two Alzheimer’s patients (PMID: 20157243). (SP) 0809 - Previous evidence of pathogenicity for this variant is inconclusive. This variant has been reported in two affected sisters with Alzheimer’s disease who also carry another variant in PSEN1 (PMID: 11524469). (I) 0905 - No published segregation evidence has been identified for this variant. (I) 1010 - Functional evidence for this variant is inconclusive. This variant has been shown to cause increased production of Ab42 as well elevated ratio of Ab42/Ab40; however the level of increase is not clearly indicated as disease causing (PMID: 27930341). (SP) 1208 - Inheritance information for this variant is not currently available in this individual. (I) Legend: (SP) - Supporting pathogenic, (I) - Information, (SB) - Supporting benign

VIB  Department of Molecular Genetics, University of Antwerp
No classification provided. Review status: no classification provided. Collection method: not provided. Allele origin: not provided. Not counted in ClinVar's aggregate classification.

Literature cited by the submitters: PubMed 11524469 (cited by Victorian Clinical Genetics Services, Murdoch Childrens Research Institute); PubMed 20157243 (cited by Victorian Clinical Genetics Services, Murdoch Childrens Research Institute); PubMed 27930341 (cited by Victorian Clinical Genetics Services, Murdoch Childrens Research Institute); PubMed 28082723 (cited by Victorian Clinical Genetics Services, Murdoch Childrens Research Institute); PubMed 32087291 (cited by Victorian Clinical Genetics Services, Murdoch Childrens Research Institute).

NM_000021.4(PSEN1):c.1315A>G (p.Ile439Val)

Gene: PSEN1 (presenilin 1; plus strand). Cytogenetic location: 14q24.2.
Variant type: single nucleotide variant.
Coding change: c.1315A>G on transcript NM_000021.4 (MANE Select); coding-DNA position 1315, A replaced by G.
Protein change: p.Ile439Val; replaces isoleucine 439 with valine.
Molecular consequence: missense variant.
Genome position (GRCh38, 1-based): chr14:73,219,200, A>G. VCF-style: chr14-73219200-A-G. GRCh37 (hg19) VCF-style: chr14-73685908-A-G.
Other names: c.1303A>G, p.Ile435Val (NM_007318.3); short protein forms I439V, I435V.
Identifiers: ClinVar variation 98116 (VCV000098116.2), dbSNP rs63750249, ClinGen allele CA225187.